The following is an entry in ClinVar:

ClinVar aggregate classification (germline): Uncertain significance. Review status: criteria provided, single submitter (1 of 4 stars). 3 submissions from 3 submitters: Uncertain significance (1). 2 of the submissions do not count toward it. Last evaluated 2024-02-24.

Conditions:
Alstrom syndrome (ALMS). Identifiers: Orphanet 64, MedGen C0268425, MONDO:0008763, OMIM 203800.

Allele frequency attached by ClinVar (database versions not stated): gnomAD exomes below 0.00001; TOPMed 0.00001; ESP Exome Variant Server 0.00017.
gnomAD v4.1: 1 of 1,614,074 alleles (0.000062%); highest among the groups gnomAD compares: South Asian, 0.0011%; no homozygotes.

Submissions (3):

Labcorp Genetics (formerly Invitae), Labcorp
Classification: Uncertain significance for Alstrom syndrome. Last evaluated: 2024-02-24. Review status: criteria provided, single submitter. Criteria: Invitae Variant Classification Sherloc (09022015). Collection method: clinical testing. Allele origin: germline.
Comment: This sequence change replaces tyrosine, which is neutral and polar, with cysteine, which is neutral and slightly polar, at codon 1942 of the ALMS1 protein (p.Tyr1942Cys). This variant is not present in population databases (gnomAD no frequency). This variant has not been reported in the literature in individuals affected with ALMS1-related conditions. ClinVar contains an entry for this variant (Variation ID: 552237). Experimental studies and prediction algorithms are not available or were not evaluated, and the functional significance of this variant is currently unknown. In summary, the available evidence is currently insufficient to determine the role of this variant in disease. Therefore, it has been classified as a Variant of Uncertain Significance.

Natera, Inc.
Classification: Uncertain significance for Alstrom syndrome. Last evaluated: 2020-08-14. Review status: no assertion criteria provided. Collection method: clinical testing. Allele origin: germline. Not counted in ClinVar's aggregate classification.

Counsyl
Classification: Uncertain significance for Alstrom syndrome. Last evaluated: 2017-06-01. Review status: no assertion criteria provided. Collection method: clinical testing. Allele origin: unknown. Not counted in ClinVar's aggregate classification.

NM_001378454.1(ALMS1):c.5822A>G (p.Tyr1941Cys)

Gene: ALMS1 (ALMS1 centrosome and basal body associated protein; plus strand). Cytogenetic location: 2p13.1.
Variant type: single nucleotide variant.
Coding change: c.5822A>G on transcript NM_001378454.1 (MANE Select); coding-DNA position 5822, A replaced by G.
Protein change: p.Tyr1941Cys; replaces tyrosine 1941 with cysteine.
Molecular consequence: missense variant.
Genome position (GRCh38, 1-based): chr2:73,452,349, A>G. VCF-style: chr2-73452349-A-G. GRCh37 (hg19) VCF-style: chr2-73679476-A-G.
Other names: c.5825A>G, p.Tyr1942Cys (NM_015120.4); short protein forms Y1942C, Y1941C.
Identifiers: ClinVar variation 552237 (VCV000552237.9), dbSNP rs374676136, ClinGen allele CA50397072.